The following is an entry in ClinVar:

NC_000009.11:g.(?_6533007)_(6565439_?)del

Gene: GLDC (glycine decarboxylase; minus strand). Cytogenetic location: 9p24.1.
Variant type: Deletion.
Identifiers: ClinVar variation 1074246 (VCV001074246.10).

ClinVar aggregate classification (germline): Pathogenic (1 of 4 stars; one submission).

Conditions:
Glycine encephalopathy. Also called: Nonketotic hyperglycinemia; Non-ketotic hyperglycinemia. Identifiers: Orphanet 407, MedGen C0751748, MONDO:0011612, HP:0008288.

Submission:

Labcorp Genetics (formerly Invitae), Labcorp
Classification: Pathogenic for Glycine encephalopathy. Last evaluated: 2020-03-26. Review status: criteria provided, single submitter. Criteria: Invitae Variant Classification Sherloc (09022015). Collection method: clinical testing. Allele origin: germline.
Comment: For these reasons, this variant has been classified as Pathogenic. This variant disrupts the p.Gly944 amino acid residue in GLDC. Other variant(s) that disrupt this residue have been determined to be pathogenic (PMID: 27362913, 28244183). This suggests that this residue is clinically significant, and that variants that disrupt this residue are likely to be disease-causing. This variant has been observed in combination with another GLDC variant in an individual affected with nonketotic hyperglycinemia (PMID: 26179960). This variant is a gross deletion of the genomic region encompassing exons 16-25 of the GLDC gene. The 5' boundary is likely confined to intron 15. The 3' end of this event is unknown as it extends through the termination codon beyond the assayed region for this gene and may encompass additional genes. While this deletion is not anticipated to result in nonsense mediated decay, it is expected to create a truncated protein product or disrupt mRNA translation.

Literature cited by the submitters: PubMed 27362913; PubMed 28244183; PubMed 26179960.